The following is an entry in ClinVar:

ClinVar aggregate classification (germline): Likely benign. Review status: criteria provided, multiple submitters, no conflicts (2 of 4 stars). 3 submissions from 3 submitters: Likely benign (3). Last evaluated 2026-08-13.

Conditions:
MYO7A-related disorder. Also called: MYO7A-related disorders.

Allele frequency attached by ClinVar (database versions not stated): TOPMed 0.00004; ExAC 0.00005; gnomAD 0.00005; gnomAD exomes 0.00005.
gnomAD v4.1: 39 of 1,608,796 alleles (0.0024%); highest among the groups gnomAD compares: Non-Finnish European, 0.0031%; no homozygotes.

Submissions (3):

PreventionGenetics, part of Exact Sciences
Classification: Likely benign for MYO7A-related condition. Last evaluated: 2026-08-13. Review status: criteria provided, single submitter. Criteria: ACMG Guidelines, 2015. Collection method: clinical testing. Allele origin: germline.
Comment: This variant is classified as likely benign based on ACMG/AMP sequence variant interpretation guidelines (Richards et al. 2015 PMID: 25741868, with internal and published modifications).

Labcorp Genetics (formerly Invitae), Labcorp
Classification: Likely benign. Last evaluated: 2025-07-20. Review status: criteria provided, single submitter. Criteria: Invitae Variant Classification Sherloc (09022015). Collection method: clinical testing. Allele origin: germline.

CeGaT Center for Human Genetics Tuebingen
Classification: Likely benign. Last evaluated: 2020-11-01. Review status: criteria provided, single submitter. Criteria: CeGaT Center For Human Genetics Tuebingen Variant Classification Criteria Version 2. Collection method: clinical testing. Allele origin: germline. Affected: yes. Observed: 1 variant allele.

NM_000260.4(MYO7A):c.1221C>T (p.Phe407=)

Gene: MYO7A (myosin VIIA; plus strand). Cytogenetic location: 11q13.5.
Variant type: single nucleotide variant.
Coding change: c.1221C>T on transcript NM_000260.4 (MANE Select); coding-DNA position 1221, C replaced by T.
Protein change: p.Phe407=; no amino-acid change (phenylalanine 407 retained).
Molecular consequence: synonymous variant.
Genome position (GRCh38, 1-based): chr11:77,160,993, C>T. VCF-style: chr11-77160993-C-T. GRCh37 (hg19) VCF-style: chr11-76872039-C-T.
Other names: c.1221C>T, p.Phe407= (NM_001127180.2); c.1188C>T, p.Phe396= (NM_001369365.1).
Identifiers: ClinVar variation 793073 (VCV000793073.48), dbSNP rs782131912, ClinGen allele CA6197431.
Genomic context (GRCh38, chr11:77,160,993, plus strand): 5'-AGGGTGTGGCTGGTGCCAGTGGCTGATCACTGCCTTTCAGGGGATCTACGGGCGGCTGTT[C>T]GTGTGGATTGTGGACAAGATCAACGCAGCAATTTACAAGCCTCCCTCCCAGGATGTGAAG-3'
Protein context (NP_000251.3, residues 397-417): AFVKGIYGRL[Phe407=]VWIVDKINAA